The following is an entry in ClinVar:

ClinVar aggregate classification (germline): Uncertain significance (1 of 4 stars; one submission).

Conditions:
Microcephaly, normal intelligence and immunodeficiency (NBS). Also called: Immunodeficiency, microcephaly with normal intelligence; BERLIN BREAKAGE SYNDROME; IMMUNODEFICIENCY, MICROCEPHALY, AND CHROMOSOMAL INSTABILITY; SEEMANOVA SYNDROME II; Ataxia telangiectasia variant V1; Nijmegen breakage syndrome. Identifiers: Orphanet 647, MedGen C0398791, MONDO:0009623, OMIM 251260.

Submission:

Labcorp Genetics (formerly Invitae), Labcorp
Classification: Uncertain significance for Microcephaly, normal intelligence and immunodeficiency. Last evaluated: 2021-06-17. Review status: criteria provided, single submitter. Criteria: Invitae Variant Classification Sherloc (09022015). Collection method: clinical testing. Allele origin: germline.
Comment: In summary, this is a novel missense change that is not predicted to affect protein function or cause disease. However the evidence is insufficient at this time to prove that conclusively. It has been classified as a Variant of Uncertain Significance. Algorithms developed to predict the effect of missense changes on protein structure and function (SIFT, PolyPhen-2, Align-GVGD) all suggest that this variant is likely to be tolerated, but these predictions have not been confirmed by published functional studies. This variant is not present in population databases (ExAC no frequency) and has not been reported in the literature. This sequence change replaces tyrosine with serine at codon 16 of the NBN protein (p.Tyr16Ser). The tyrosine residue is moderately conserved and there is a large physicochemical difference between tyrosine and serine.

NM_002485.5(NBN):c.47A>C (p.Tyr16Ser)

Gene: NBN (nibrin; minus strand). Cytogenetic location: 8q21.3.
Variant type: single nucleotide variant.
Coding change: c.47A>C on transcript NM_002485.5 (MANE Select); coding-DNA position 47, A replaced by C.
Protein change: p.Tyr16Ser; replaces tyrosine 16 with serine.
Molecular consequence: missense variant. On other transcripts: 5 prime UTR variant (1).
Genome position (GRCh38, 1-based): chr8:89,982,846, T>G on the plus strand (A>C on the coding strand, the complement: NBN is on the minus strand). VCF-style: chr8-89982846-T-G. GRCh37 (hg19) VCF-style: chr8-90995074-T-G.
Other names: c.-250A>C (NM_001024688.3); short protein forms Y16S.
Identifiers: ClinVar variation 221042 (VCV000221042.8), dbSNP rs864622726, ClinGen allele CA348276.
Genomic context (GRCh38, chr8:89,982,846, plus strand): 5'-TCAATCAGAATGGCACAGTTTTTCCTTCCAACAACGTACTCAACGCCAGTCAAAAGTCTG[T>G]ATGGTTCTCCTGAGATAAATTTTTTTTTAAAAAAAGATAAGTTGATAGACACATACACAT-3'
Protein context (NP_002476.2, residues 6-26): PAAGPAGGEP[Tyr16Ser]RLLTGVEYVV